The following is an entry in ClinVar:

NM_004728.4(DDX21):c.912C>T (p.Arg304=)

Gene: DDX21 (DExD-box helicase 21; plus strand). Cytogenetic location: 10q22.1.
Variant type: single nucleotide variant.
Coding change: c.912C>T on transcript NM_004728.4 (MANE Select); coding-DNA position 912, C replaced by T.
Protein change: p.Arg304=; no amino-acid change (arginine 304 retained).
Molecular consequence: synonymous variant.
Genome position (GRCh38, 1-based): chr10:68,967,025, C>T. VCF-style: chr10-68967025-C-T. GRCh37 (hg19) VCF-style: chr10-70726781-C-T.
Other names: c.708C>T, p.Arg236= (NM_001256910.2); c.912C>T, p.Arg304= (NM_001410932.1).
Identifiers: ClinVar variation 2640540 (VCV002640540.24), dbSNP rs374055695, ClinGen allele CA5529261.

ClinVar aggregate classification (germline): Likely benign (1 of 4 stars; one submission).

Allele frequency attached by ClinVar (database versions not stated): gnomAD 0.00006; gnomAD exomes 0.00007; ESP Exome Variant Server 0.00008; ExAC 0.00016.
gnomAD v4.1: 118 of 1,607,356 alleles (0.0073%); highest among the groups gnomAD compares: Middle Eastern, 0.05%; no homozygotes.

Submission:

CeGaT Center for Human Genetics Tuebingen
Classification: Likely benign. Last evaluated: 2022-04-01. Review status: criteria provided, single submitter. Criteria: CeGaT Center For Human Genetics Tuebingen Variant Classification Criteria Version 2. Collection method: clinical testing. Allele origin: germline. Affected: yes. Observed: 1 variant allele.
Comment: DDX21: BP4, BP7